The following is an entry in ClinVar:

NC_000012.12:g.(?_21130388)_(21499570_?)dup

Genes: SLCO1A2 (solute carrier organic anion transporter family member 1A2; minus strand), SLCO1B1 (solute carrier organic anion transporter family member 1B1; plus strand), IAPP (islet amyloid polypeptide; plus strand), PYROXD1 (pyridine nucleotide-disulphide oxidoreductase domain 1; plus strand), RECQL (RecQ like helicase; minus strand). Cytogenetic location: 12p12.2-12.1.
Variant type: Duplication.
Identifiers: ClinVar variation 830951 (VCV000830951.2).

ClinVar aggregate classification (germline): Uncertain significance (1 of 4 stars; one submission).

Submission:

Labcorp Genetics (formerly Invitae), Labcorp
Classification: Uncertain significance. Last evaluated: 2019-09-18. Review status: criteria provided, single submitter. Criteria: Invitae Variant Classification Sherloc (09022015). Collection method: clinical testing. Allele origin: germline.
Comment: This variant results in a copy number gain of the genomic region encompassing the full coding sequence of the RECQL gene. The boundaries of this event are unknown as they extend beyond the assayed region for this gene and therefore may encompass additional genes. As the precise location of this event is unknown, it may be in tandem or it may be located elsewhere in the genome. This variant has not been reported in the literature in individuals with RECQL-related conditions. Experimental studies and prediction algorithms are not available or were not evaluated for this variant, and the functional significance of this variant is currently unknown. In summary, the available evidence is currently insufficient to determine the role of this variant in disease. Therefore, it has been classified as a Variant of Uncertain Significance.